The following is an entry in ClinVar:

ClinVar aggregate classification (germline): Uncertain significance (1 of 4 stars; one submission).

Submission:

Labcorp Genetics (formerly Invitae), Labcorp
Classification: Uncertain significance. Last evaluated: 2021-02-20. Review status: criteria provided, single submitter. Criteria: Invitae Variant Classification Sherloc (09022015). Collection method: clinical testing. Allele origin: germline.
Comment: This sequence change replaces histidine with tyrosine at codon 163 of the ANKZF1 protein (p.His163Tyr). The histidine residue is moderately conserved and there is a moderate physicochemical difference between histidine and tyrosine. This variant is not present in population databases (ExAC no frequency). In summary, the available evidence is currently insufficient to determine the role of this variant in disease. Therefore, it has been classified as a Variant of Uncertain Significance. Algorithms developed to predict the effect of missense changes on protein structure and function are either unavailable or do not agree on the potential impact of this missense change (SIFT: "Tolerated"; PolyPhen-2: "Possibly Damaging"; Align-GVGD: "Class C0"). This variant has not been reported in the literature in individuals with ANKZF1-related conditions.

NM_018089.3(ANKZF1):c.487C>T (p.His163Tyr)

Gene: ANKZF1 (ankyrin repeat and zinc finger peptidyl tRNA hydrolase 1; plus strand). Cytogenetic location: 2q35.
Variant type: single nucleotide variant.
Coding change: c.487C>T on transcript NM_018089.3 (MANE Select); coding-DNA position 487, C replaced by T.
Protein change: p.His163Tyr; replaces histidine 163 with tyrosine.
Molecular consequence: missense variant. On other transcripts: 5 prime UTR variant (1).
Genome position (GRCh38, 1-based): chr2:219,232,612, C>T. VCF-style: chr2-219232612-C-T. GRCh37 (hg19) VCF-style: chr2-220097334-C-T.
Other names: c.487C>T, p.His163Tyr (NM_001042410.2); c.-144C>T (NM_001282792.2); short protein forms H163Y.
Identifiers: ClinVar variation 1374555 (VCV001374555.8), dbSNP rs2106459695, ClinGen allele CA350673948.